The following is an entry in ClinVar:

ClinVar aggregate classification (germline): Uncertain significance (1 of 4 stars; one submission).

Conditions:
Intellectual developmental disorder, X-linked 1. Also called: Atkin Flaitz Patil Smith syndrome; Intellectual disability, X-linked 1; MENTAL RETARDATION, X-LINKED 18; MENTAL RETARDATION, X-LINKED 78. Identifiers: Orphanet 777, MedGen C2931498, MONDO:0010656, OMIM 309530.

Submission:

Labcorp Genetics (formerly Invitae), Labcorp
Classification: Uncertain significance for Intellectual developmental disorder, X-linked 1. Last evaluated: 2022-04-26. Review status: criteria provided, single submitter. Criteria: Invitae Variant Classification Sherloc (09022015). Collection method: clinical testing. Allele origin: germline.
Comment: This sequence change replaces alanine, which is neutral and non-polar, with aspartic acid, which is acidic and polar, at codon 417 of the IQSEC2 protein (p.Ala417Asp). This variant is not present in population databases (gnomAD no frequency). This variant has not been reported in the literature in individuals affected with IQSEC2-related conditions. Advanced modeling of protein sequence and biophysical properties (such as structural, functional, and spatial information, amino acid conservation, physicochemical variation, residue mobility, and thermodynamic stability) performed at Invitae indicates that this missense variant is not expected to disrupt IQSEC2 protein function. In summary, the available evidence is currently insufficient to determine the role of this variant in disease. Therefore, it has been classified as a Variant of Uncertain Significance.

NM_001111125.3(IQSEC2):c.1250C>A (p.Ala417Asp)

Gene: IQSEC2 (IQ motif and Sec7 domain ArfGEF 2; minus strand). Cytogenetic location: Xp11.22.
Variant type: single nucleotide variant.
Coding change: c.1250C>A on transcript NM_001111125.3 (MANE Select); coding-DNA position 1250, C replaced by A.
Protein change: p.Ala417Asp; replaces alanine 417 with aspartic acid.
Molecular consequence: missense variant.
Genome position (GRCh38, 1-based): chrX:53,254,681, G>T on the plus strand (C>A on the coding strand, the complement: IQSEC2 is on the minus strand). VCF-style: chrX-53254681-G-T. GRCh37 (hg19) VCF-style: chrX-53283863-G-T.
Other names: c.1250C>A, p.Ala417Asp (NM_001410736.1); c.635C>A, p.Ala212Asp (NM_015075.2); short protein forms A212D, A417D.
Identifiers: ClinVar variation 2130900 (VCV002130900.4), dbSNP rs2519838113, ClinGen allele CA413169339.